The following is an entry in ClinVar:

NM_004247.4(EFTUD2):c.1066T>G (p.Phe356Val)

Gene: EFTUD2 (elongation factor Tu GTP binding domain containing 2; minus strand). Cytogenetic location: 17q21.31.
Variant type: single nucleotide variant.
Coding change: c.1066T>G on transcript NM_004247.4 (MANE Select); coding-DNA position 1066, T replaced by G.
Protein change: p.Phe356Val; replaces phenylalanine 356 with valine.
Molecular consequence: missense variant.
Genome position (GRCh38, 1-based): chr17:44,867,890, A>C on the plus strand (T>G on the coding strand, the complement: EFTUD2 is on the minus strand). VCF-style: chr17-44867890-A-C. GRCh37 (hg19) VCF-style: chr17-42945258-A-C.
Other names: c.961T>G, p.Phe321Val (NM_001142605.2); c.1066T>G, p.Phe356Val (NM_001258353.2); c.1036T>G, p.Phe346Val (NM_001258354.2); short protein forms F356V, F321V, F346V.
Identifiers: ClinVar variation 432757 (VCV000432757.4), dbSNP rs1555566527, ClinGen allele CA399816149.
Genomic context (GRCh38, chr17:44,867,890, plus strand): 5'-GCTCCAAGATAAACTCCACGAAACTTCTCTGGGAGCTGCTAGTTGGGGCCTTTTTGGTGA[A>C]CTTTCGCCTAAAAGGAAAAATAAGTTCTGAGTGACCCAGGGGAAAAGGCACTATCACTGA-3'
Protein context (NP_004238.3, residues 346-366): DIYFNPKTRK[Phe356Val]TKKAPTSSSQ

ClinVar aggregate classification (germline): Uncertain significance (1 of 4 stars; one submission).

Submission:

GeneDx
Classification: Uncertain significance. Last evaluated: 2019-04-26. Review status: criteria provided, single submitter. Criteria: GeneDx Variant Classification Process June 2021. Collection method: clinical testing. Allele origin: germline. Affected: yes.
Comment: Not observed in large population cohorts (Lek et al., 2016); Has not been previously published as pathogenic or benign to our knowledge